The following is an entry in ClinVar:

ClinVar aggregate classification (germline): Uncertain significance. Review status: criteria provided, multiple submitters, no conflicts (2 of 4 stars). 3 submissions from 3 submitters: Uncertain significance (3). Last evaluated 2025-06-30.

Conditions:
Hereditary cancer-predisposing syndrome. Also called: Hereditary Cancer Syndrome; Neoplastic Syndromes, Hereditary; Tumor predisposition; Hereditary neoplastic syndrome. Identifiers: Orphanet 140162, MedGen C0027672, MeSH D009386, MONDO:0015356.
Tuberous sclerosis 2 (TSC2). Identifiers: Orphanet 805, MedGen C1860707, MONDO:0013199, OMIM 613254.
Tuberous sclerosis syndrome (TSC). Also called: Tuberous Sclerosis Complex; Tuberous sclerosis. Identifiers: Orphanet 805, MedGen C0041341, MONDO:0001734.

Allele frequency attached by ClinVar (database versions not stated): gnomAD exomes below 0.00001.
gnomAD v4.1: 1 of 1,612,092 alleles (0.000062%); highest among the groups gnomAD compares: Non-Finnish European, 0.000085%; no homozygotes.

Submissions (3):

Color Diagnostics, LLC DBA Color Health
Classification: Uncertain significance for Tuberous sclerosis syndrome. Last evaluated: 2025-06-30. Review status: criteria provided, single submitter. Criteria: ACMG Guidelines, 2015. Collection method: clinical testing. Allele origin: germline.
Comment: This missense variant replaces serine with glycine at codon 1555 of the TSC2 protein. Computational prediction is inconclusive regarding the impact of this variant on protein structure and function. To our knowledge, functional studies have not been reported for this variant. This variant has not been reported in individuals affected with TSC2-related disorders in the literature. This variant has not been identified in the general population by the Genome Aggregation Database (gnomAD). The available evidence is insufficient to determine the role of this variant in disease conclusively. Therefore, this variant is classified as a Variant of Uncertain Significance.

Labcorp Genetics (formerly Invitae), Labcorp
Classification: Uncertain significance for Tuberous sclerosis 2. Last evaluated: 2025-06-10. Review status: criteria provided, single submitter. Criteria: Invitae Variant Classification Sherloc (09022015). Collection method: clinical testing. Allele origin: germline.
Comment: This sequence change replaces serine, which is neutral and polar, with glycine, which is neutral and non-polar, at codon 1555 of the TSC2 protein (p.Ser1555Gly). This variant is not present in population databases (gnomAD no frequency). This variant has not been reported in the literature in individuals affected with TSC2-related conditions. ClinVar contains an entry for this variant (Variation ID: 1346900). An algorithm developed to predict the effect of missense changes on protein structure and function (PolyPhen-2) suggests that this variant is likely to be tolerated. In summary, the available evidence is currently insufficient to determine the role of this variant in disease. Therefore, it has been classified as a Variant of Uncertain Significance.

Ambry Genetics
Classification: Uncertain significance for Hereditary cancer-predisposing syndrome. Last evaluated: 2024-11-28. Review status: criteria provided, single submitter. Criteria: Ambry Variant Classification Scheme 2023. Collection method: clinical testing. Allele origin: germline.
Comment: The p.S1555G variant (also known as c.4663A>G) is located in coding exon 36 of the TSC2 gene. The serine at codon 1555 is replaced by glycine, an amino acid with similar properties. This change occurs in the first base pair of coding exon 36. This amino acid position is conserved. In addition, the in silico prediction for this alteration is inconclusive. Based on the available evidence, the clinical significance of this variant remains unclear.

NM_000548.5(TSC2):c.4663A>G (p.Ser1555Gly)

Gene: TSC2 (TSC complex subunit 2; plus strand). Cytogenetic location: 16p13.3.
Variant type: single nucleotide variant.
Coding change: c.4663A>G on transcript NM_000548.5 (MANE Select); coding-DNA position 4663, A replaced by G.
Protein change: p.Ser1555Gly; replaces serine 1555 with glycine.
Molecular consequence: missense variant.
Genome position (GRCh38, 1-based): chr16:2,086,193, A>G. VCF-style: chr16-2086193-A-G. GRCh37 (hg19) VCF-style: chr16-2136194-A-G.
Other names: c.4663A>G (NM_000548.3); c.4462A>G, p.Ser1488Gly (NM_001077183.3); c.4594A>G, p.Ser1532Gly (NM_001114382.3); c.4354A>G, p.Ser1452Gly (NM_001318827.2); c.4318A>G, p.Ser1440Gly (NM_001318829.2); c.3931A>G, p.Ser1311Gly (NM_001318831.2); c.4495A>G, p.Ser1499Gly (NM_001318832.2); c.4465A>G, p.Ser1489Gly (NM_001363528.2); and 2 more; short protein forms S1311G, S1489G, S1499G, S1511G, S1532G, S1452G, S1488G, S1512G.
Identifiers: ClinVar variation 1346900 (VCV001346900.10), dbSNP rs1555515982, ClinGen allele CA394306838.